The following is an entry in ClinVar:

NM_017654.4(SAMD9):c.459G>T (p.Arg153Ser)

Gene: SAMD9 (sterile alpha motif domain containing 9; minus strand). Cytogenetic location: 7q21.2.
Variant type: single nucleotide variant.
Coding change: c.459G>T on transcript NM_017654.4 (MANE Select); coding-DNA position 459, G replaced by T.
Protein change: p.Arg153Ser; replaces arginine 153 with serine.
Molecular consequence: missense variant.
Genome position (GRCh38, 1-based): chr7:93,105,639, C>A on the plus strand (G>T on the coding strand, the complement: SAMD9 is on the minus strand). VCF-style: chr7-93105639-C-A. GRCh37 (hg19) VCF-style: chr7-92734952-C-A.
Other names: c.459G>T, p.Arg153Ser (NM_001193307.2); short protein forms R153S.
Identifiers: ClinVar variation 3437102 (VCV003437102.1).

ClinVar aggregate classification (germline): Uncertain significance (1 of 4 stars; one submission).

Conditions:
Inborn genetic diseases. Identifiers: MedGen C0950123, MeSH D030342.

Submission:

Ambry Genetics
Classification: Uncertain significance for Inborn genetic diseases. Last evaluated: 2024-12-08. Review status: criteria provided, single submitter. Criteria: Ambry Variant Classification Scheme 2023. Collection method: clinical testing. Allele origin: germline.
Comment: The p.R153S variant (also known as c.459G>T), located in coding exon 1 of the SAMD9 gene, results from a G to T substitution at nucleotide position 459. The arginine at codon 153 is replaced by serine, an amino acid with dissimilar properties. This amino acid position is conserved. In addition, this alteration is predicted to be tolerated by in silico analysis. Based on the available evidence, the clinical significance of this variant remains unclear.